The following is an entry in ClinVar:

ClinVar aggregate classification (germline): Conflicting classifications of pathogenicity. Review status: criteria provided, conflicting classifications (1 of 4 stars). 2 submissions from 2 submitters: Likely pathogenic (1); Uncertain significance (1). Last evaluated 2024-05-31.

Conditions:
Hereditary cancer-predisposing syndrome. Also called: Tumor predisposition; Neoplastic Syndromes, Hereditary; Hereditary Cancer Syndrome; Hereditary neoplastic syndrome. Identifiers: Orphanet 140162, MedGen C0027672, MeSH D009386, MONDO:0015356.
Fanconi anemia complementation group O. Also called: RAD51C-Related Fanconi Anemia. Identifiers: Orphanet 84, MedGen C3150653, MONDO:0013248, OMIM 613390.

Submissions (2):

Ambry Genetics
Classification: Uncertain significance for Hereditary cancer-predisposing syndrome. Last evaluated: 2024-05-31. Review status: criteria provided, single submitter. Criteria: Ambry Variant Classification Scheme 2023. Collection method: clinical testing. Allele origin: germline.
Comment: The p.Q358* variant (also known as c.1072C>T), located in coding exon 9 of the RAD51C gene, results from a C to T substitution at nucleotide position 1072. This changes the amino acid from a glutamine to a stop codon within coding exon 9. This alteration occurs at the 3' terminus of theRAD51C gene, is not expected to trigger nonsense-mediated mRNAdecay, and only impacts the last 19 amino acids of the protein. The exact functional effect of this alteration is unknown. Since supporting evidence is limited at this time, the clinical significance of this alteration remains unclear.

Labcorp Genetics (formerly Invitae), Labcorp
Classification: Likely pathogenic for Fanconi anemia complementation group O. Last evaluated: 2023-08-27. Review status: criteria provided, single submitter. Criteria: Invitae Variant Classification Sherloc (09022015). Collection method: clinical testing. Allele origin: germline.
Comment: This sequence change creates a premature translational stop signal (p.Gln358*) in the RAD51C gene. While this is not anticipated to result in nonsense mediated decay, it is expected to disrupt the last 19 amino acid(s) of the RAD51C protein. This variant is not present in population databases (gnomAD no frequency). This premature translational stop signal has been observed in individual(s) with breast cancer (PMID: 32809180). ClinVar contains an entry for this variant (Variation ID: 1783850). This variant disrupts the Walker A motif which is critical for interaction with RAD51B (PMID: 14704354). While functional studies have not been performed to directly test the effect of this variant on RAD51C protein function, this suggests that disruption of this region of the protein is causative of disease. In summary, the currently available evidence indicates that the variant is pathogenic, but additional data are needed to prove that conclusively. Therefore, this variant has been classified as Likely Pathogenic.

Literature cited by the submitters: PubMed 32809180 (cited by Labcorp Genetics (formerly Invitae), Labcorp); PubMed 14704354 (cited by Labcorp Genetics (formerly Invitae), Labcorp).

NM_058216.3(RAD51C):c.1072C>T (p.Gln358Ter)

Gene: RAD51C (RAD51 paralog C; plus strand). Cytogenetic location: 17q22.
Variant type: single nucleotide variant.
Coding change: c.1072C>T on transcript NM_058216.3 (MANE Select); coding-DNA position 1072, C replaced by T.
Protein change: p.Gln358Ter; replaces glutamine 358 with a stop codon.
Molecular consequence: nonsense. On other transcripts: non-coding transcript variant (1).
Genome position (GRCh38, 1-based): chr17:58,734,163, C>T. VCF-style: chr17-58734163-C-T. GRCh37 (hg19) VCF-style: chr17-56811524-C-T.
Other names: c.*500C>T (NM_058217.1); short protein forms Q358*.
Identifiers: ClinVar variation 1783850 (VCV001783850.6), dbSNP rs2049563238, ClinGen allele CA400366239.